The following is an entry in ClinVar:

ClinVar aggregate classification (germline): Uncertain significance (1 of 4 stars; one submission).

Submission:

Labcorp Genetics (formerly Invitae), Labcorp
Classification: Uncertain significance. Last evaluated: 2025-05-14. Review status: criteria provided, single submitter. Criteria: Invitae Variant Classification Sherloc (09022015). Collection method: clinical testing. Allele origin: germline.
Comment: This sequence change replaces glycine, which is neutral and non-polar, with valine, which is neutral and non-polar, at codon 812 of the MKL1 protein (p.Gly812Val). Information on the frequency of this variant in the gnomAD database is not available, as this variant may be reported differently in the database. This variant has not been reported in the literature in individuals affected with MKL1-related conditions. ClinVar contains an entry for this variant (Variation ID: 1911113). An algorithm developed to predict the effect of missense changes on protein structure and function (PolyPhen-2) suggests that this variant is likely to be disruptive. In summary, the available evidence is currently insufficient to determine the role of this variant in disease. Therefore, it has been classified as a Variant of Uncertain Significance.

NM_020831.6(MRTFA):c.2735_2736delinsTT (p.Gly912Val)

Gene: MRTFA (myocardin related transcription factor A; minus strand). Cytogenetic location: 22q13.1.
Variant type: Indel.
Coding change: c.2735_2736delinsTT on transcript NM_020831.6 (MANE Select); coding-DNA positions 2735 to 2736, GA replaced by TT.
Protein change: p.Gly912Val; replaces glycine 912 with valine.
Molecular consequence: missense variant. On other transcripts: 3 prime UTR variant (1).
Genome position (GRCh38, 1-based): chr22:40,411,750-40,411,751, TC replaced by AA on the plus strand (GA replaced by TT on the coding strand, the reverse complement: MRTFA is on the minus strand). VCF-style: chr22-40411750-TC-AA. GRCh37 (hg19) VCF-style: chr22-40807754-TC-AA.
Other names: c.2435_2436delinsTT, p.Gly812Val (NM_001282660.2); c.2585_2586delinsTT, p.Gly862Val (NM_001282661.3); c.*48_*49delinsTT (NM_001282662.3); c.2540_2541delinsTT, p.Gly847Val (NM_001318139.2); short protein forms G847V, G812V, G862V, G912V.
Identifiers: ClinVar variation 1911113 (VCV001911113.5), dbSNP rs2517787122, ClinGen allele CA2580099794.